The following is an entry in ClinVar:

ClinVar aggregate classification (germline): Uncertain significance. Review status: criteria provided, multiple submitters, no conflicts (2 of 4 stars). 2 submissions from 2 submitters: Uncertain significance (2). Last evaluated 2025-11-12.

Conditions:
Inborn genetic diseases. Identifiers: MedGen C0950123, MeSH D030342.

gnomAD v4.1: 8 of 1,613,844 alleles (0.0005%); highest among the groups gnomAD compares: African/African-American, 0.0013%; no homozygotes.

Submissions (2):

Labcorp Genetics (formerly Invitae), Labcorp
Classification: Uncertain significance. Last evaluated: 2025-11-12. Review status: criteria provided, single submitter. Criteria: Invitae Variant Classification Sherloc (09022015). Collection method: clinical testing. Allele origin: germline.
Comment: This sequence change replaces serine, which is neutral and polar, with asparagine, which is neutral and polar, at codon 1211 of the ASXL2 protein (p.Ser1211Asn). This variant is present in population databases (rs369409956, gnomAD 0.003%). This variant has not been reported in the literature in individuals affected with ASXL2-related conditions. ClinVar contains an entry for this variant (Variation ID: 3440186). Invitae Evidence Modeling of protein sequence and biophysical properties (such as structural, functional, and spatial information, amino acid conservation, physicochemical variation, residue mobility, and thermodynamic stability) indicates that this missense variant is not expected to disrupt ASXL2 protein function with a negative predictive value of 80%. In summary, the available evidence is currently insufficient to determine the role of this variant in disease. Therefore, it has been classified as a Variant of Uncertain Significance.

Ambry Genetics
Classification: Uncertain significance for Inborn genetic diseases. Last evaluated: 2024-08-21. Review status: criteria provided, single submitter. Criteria: Ambry Variant Classification Scheme 2023. Collection method: clinical testing. Allele origin: germline.

NM_018263.6(ASXL2):c.3632G>A (p.Ser1211Asn)

Gene: ASXL2 (ASXL transcriptional regulator 2; minus strand). Cytogenetic location: 2p23.3.
Variant type: single nucleotide variant.
Coding change: c.3632G>A on transcript NM_018263.6 (MANE Select); coding-DNA position 3632, G replaced by A.
Protein change: p.Ser1211Asn; replaces serine 1211 with asparagine.
Molecular consequence: missense variant.
Genome position (GRCh38, 1-based): chr2:25,742,705, C>T on the plus strand (G>A on the coding strand, the complement: ASXL2 is on the minus strand). VCF-style: chr2-25742705-C-T. GRCh37 (hg19) VCF-style: chr2-25965574-C-T.
Other names: c.3458G>A, p.Ser1153Asn (NM_001369346.1); c.2852G>A, p.Ser951Asn (NM_001369347.1); short protein forms S951N, S1153N, S1211N.
Identifiers: ClinVar variation 3440186 (VCV003440186.2).
Genomic context (GRCh38, chr2:25,742,705, plus strand): 5'-ACATTCTTGCTAGCTAAGCAATCACTGGTAGATAGAGTTTCCCTGCTGTGAGGTCCTGAA[C>T]TTGTGTCACCCTTGCCAGCACTCTGGGAAACCTGGGGCTCCTCTTTCACTGTGACAGATT-3'
Protein context (NP_060733.4, residues 1201-1221): VSQSAGKGDT[Ser1211Asn]SGPHSRETLS